The following is an entry in ClinVar:

ClinVar aggregate classification (germline): Likely benign (1 of 4 stars; one submission).

Allele frequency attached by ClinVar (database versions not stated): 1000 Genomes Project 30x 0.00375; 1000 Genomes Project 0.00419; gnomAD 0.00546; ExAC 0.00833.
gnomAD v4.1: 3,320 of 629,440 alleles (0.53%); highest among the groups gnomAD compares: Admixed American, 0.3%; 51 homozygotes.

Submission:

CeGaT Center for Human Genetics Tuebingen
Classification: Likely benign. Last evaluated: 2023-05-01. Review status: criteria provided, single submitter. Criteria: CeGaT Center For Human Genetics Tuebingen Variant Classification Criteria Version 2. Collection method: clinical testing. Allele origin: germline. Affected: yes. Observed: 6 variant alleles.
Comment: RERE: BS1

NM_001042681.2(RERE):c.1740+177C>T

Gene: RERE (arginine-glutamic acid dipeptide repeats; minus strand). Cytogenetic location: 1p36.23.
Variant type: single nucleotide variant.
Coding change: c.1740+177C>T on transcript NM_001042681.2 (MANE Select); 177 bases into the intron after coding-DNA position 1740, C replaced by T.
Molecular consequence: intron variant.
Genome position (GRCh38, 1-based): chr1:8,363,879, G>A on the plus strand (C>T on the coding strand, the complement: RERE is on the minus strand). VCF-style: chr1-8363879-G-A. GRCh37 (hg19) VCF-style: chr1-8423939-G-A.
Other names: c.1740+177C>T (NM_012102.4); c.78+177C>T (NM_001042682.2).
Identifiers: ClinVar variation 1711208 (VCV001711208.30), dbSNP rs188150170, ClinGen allele CA571568.